The following is an entry in ClinVar:

NM_004637.6(RAB7A):c.482A>T (p.Asn161Ile)

Gene: RAB7A (RAB7A, member RAS oncogene family; plus strand). Cytogenetic location: 3q21.3.
Variant type: single nucleotide variant.
Coding change: c.482A>T on transcript NM_004637.6 (MANE Select); coding-DNA position 482, A replaced by T.
Protein change: p.Asn161Ile; replaces asparagine 161 with isoleucine.
Molecular consequence: missense variant.
Genome position (GRCh38, 1-based): chr3:128,807,625, A>T. VCF-style: chr3-128807625-A-T. GRCh37 (hg19) VCF-style: chr3-128526468-A-T.
Other names: short protein forms N161I.
Identifiers: ClinVar variation 637404 (VCV000637404.10), dbSNP rs121909080, ClinGen allele CA354709486.

ClinVar aggregate classification (germline): Pathogenic. Review status: criteria provided, multiple submitters, no conflicts (2 of 4 stars). 3 submissions from 3 submitters: Pathogenic (2). 1 of the submissions does not count toward it. Last evaluated 2022-01-12.

Conditions:
Charcot-Marie-Tooth disease. Also called: Charcot-Marie-Tooth Hereditary Neuropathy; Charcot-Marie-Tooth Neuropathy. Identifiers: Orphanet 166, MedGen C0007959, MONDO:0015626.
RAB7A-related disorder. Also called: RAB7A-related condition.
Charcot-Marie-Tooth disease type 2B (CMT2B). Also called: Charcot-Marie-Tooth Neuropathy Type 2B; CHARCOT-MARIE-TOOTH DISEASE, AXONAL, TYPE 2B; CHARCOT-MARIE-TOOTH DISEASE, AUTOSOMAL DOMINANT, TYPE 2B; HEREDITARY MOTOR AND SENSORY NEUROPATHY IIB. Identifiers: Orphanet 99936, MedGen C1833219, MONDO:0010949, OMIM 600882.

Submissions (3):

Blueprint Genetics
Classification: Pathogenic for RAB7A-related disorders. Last evaluated: 2022-01-12. Review status: criteria provided, single submitter. Criteria: ACMG Guidelines, 2015. Collection method: clinical testing. Allele origin: germline. Affected: yes. Observed: 2 variant alleles.

Labcorp Genetics (formerly Invitae), Labcorp
Classification: Pathogenic for Charcot-Marie-Tooth disease type 2B. Last evaluated: 2020-08-29. Review status: criteria provided, single submitter. Criteria: Invitae Variant Classification Sherloc (09022015). Collection method: clinical testing. Allele origin: germline.
Comment: For these reasons, this variant has been classified as Pathogenic. This variant disrupts the p.Asn161 amino acid residue in RAB7A. Other variant(s) that disrupt this residue have been determined to be pathogenic (PMID: 23188822, 15455439, 24498653, 18272684, 26791407). This suggests that this residue is clinically significant, and that variants that disrupt this residue are likely to be disease-causing. This variant has been reported to affect RAB7A protein function (PMID: 29130394). This variant has been observed in individual(s) with Charcot Marie Tooth disease (PMID: 24498653). It has also been observed to segregate with disease in related individuals. ClinVar contains an entry for this variant (Variation ID: 637404). This variant is not present in population databases (ExAC no frequency). This sequence change replaces asparagine with isoleucine at codon 161 of the RAB7A protein (p.Asn161Ile). The asparagine residue is highly conserved and there is a large physicochemical difference between asparagine and isoleucine.

Inherited Neuropathy Consortium
Classification: Uncertain significance for Charcot-Marie-Tooth disease. Review status: no assertion criteria provided. Collection method: literature only. Allele origin: germline. Affected: yes. Not counted in ClinVar's aggregate classification.

Literature cited by the submitters: PubMed 23188822 (cited by Labcorp Genetics (formerly Invitae), Labcorp); PubMed 15455439 (cited by Labcorp Genetics (formerly Invitae), Labcorp); PubMed 24498653 (cited by Labcorp Genetics (formerly Invitae), Labcorp and Inherited Neuropathy Consortium); PubMed 18272684 (cited by Labcorp Genetics (formerly Invitae), Labcorp); PubMed 26791407 (cited by Labcorp Genetics (formerly Invitae), Labcorp); PubMed 29130394 (cited by Labcorp Genetics (formerly Invitae), Labcorp).